The following is an entry in ClinVar:

ClinVar aggregate classification (germline): Pathogenic. Review status: reviewed by expert panel (3 of 4 stars). 3 submissions from 3 submitters: Pathogenic (1). 2 of the submissions do not count toward it. Last evaluated 2016-10-18.

Conditions:
Hereditary cancer-predisposing syndrome. Also called: Neoplastic Syndromes, Hereditary; Tumor predisposition; Hereditary Cancer Syndrome; Hereditary neoplastic syndrome. Identifiers: Orphanet 140162, MedGen C0027672, MeSH D009386, MONDO:0015356.
Breast-ovarian cancer, familial, susceptibility to, 2 (BROVCA2). Also called: BRCA2 Hereditary Breast and Ovarian Cancer. Identifiers: Orphanet 145, MedGen C2675520, MONDO:0012933, OMIM 612555. Disease mechanism: loss of function.

Submissions (3):

Evidence-based Network for the Interpretation of Germline Mutant Alleles (ENIGMA)
Classification: Pathogenic for Breast-ovarian cancer, familial, susceptibility to, 2. Last evaluated: 2016-10-18. Review status: reviewed by expert panel. Criteria: ENIGMA BRCA1/2 Classification Criteria (2015). Collection method: curation. Allele origin: germline.
Comment: Variant allele predicted to encode a truncated non-functional protein.

Ambry Genetics
Classification: Pathogenic for Hereditary cancer-predisposing syndrome. Last evaluated: 2023-08-03. Review status: criteria provided, single submitter. Criteria: Ambry Variant Classification Scheme 2023. Collection method: clinical testing. Allele origin: germline. Not counted in ClinVar's aggregate classification.
Comment: The c.3847delG pathogenic mutation, located in coding exon 10 of the BRCA2 gene, results from a deletion of one nucleotide at nucleotide position 3847, causing a translational frameshift with a predicted alternate stop codon (p.V1283*). This variant is considered to be rare based on population cohorts in the Genome Aggregation Database (gnomAD). This alteration is expected to result in loss of function by premature protein truncation or nonsense-mediated mRNA decay. As such, this alteration is interpreted as a disease-causing mutation.

Consortium of Investigators of Modifiers of BRCA1/2 (CIMBA), c/o University of Cambridge
Classification: Pathogenic for Breast-ovarian cancer, familial, susceptibility to, 2. Last evaluated: 2015-10-02. Review status: criteria provided, single submitter. Criteria: CIMBA Mutation Classification guidelines May 2016. Collection method: clinical testing. Allele origin: germline. Not counted in ClinVar's aggregate classification.

NM_000059.4(BRCA2):c.3847del (p.Thr1282_Val1283insTer)

Gene: BRCA2 (BRCA2 DNA repair associated; plus strand). Cytogenetic location: 13q13.1.
Variant type: Deletion.
Coding change: c.3847del on transcript NM_000059.4 (MANE Select); coding-DNA position 3847, one base deleted (G; older notation c.3847delG).
Protein change: p.Thr1282_Val1283insTer.
Molecular consequence: nonsense.
Genome position (GRCh38, 1-based): chr13:32,338,202, G deleted. VCF-style (leftmost placement, unchanged base first): chr13-32338201-TG-T. GRCh37 (hg19) VCF-style: chr13-32912338-TG-T.
Other names: 4075delG-ter1283; c.3847delG (NM_000059.3).
Identifiers: ClinVar variation 51539 (VCV000051539.8), dbSNP rs397507691, ClinGen allele CA018939.